The following is an entry in ClinVar:

ClinVar aggregate classification (germline): Pathogenic (1 of 4 stars; one submission).

Submission:

Labcorp Genetics (formerly Invitae), Labcorp
Classification: Pathogenic. Last evaluated: 2024-04-17. Review status: criteria provided, single submitter. Criteria: Invitae Variant Classification Sherloc (09022015). Collection method: clinical testing. Allele origin: germline.
Comment: This sequence change creates a premature translational stop signal (p.Leu173*) in the YWHAG gene. While this is not anticipated to result in nonsense mediated decay, it is expected to disrupt the last 75 amino acid(s) of the YWHAG protein. This variant is not present in population databases (gnomAD no frequency). This variant has not been reported in the literature in individuals affected with YWHAG-related conditions. ClinVar contains an entry for this variant (Variation ID: 2013349). This variant disrupts a region of the YWHAG protein in which other variant(s) (p.Ala193Serfs*17) have been determined to be pathogenic (Invitae). This suggests that this is a clinically significant region of the protein, and that variants that disrupt it are likely to be disease-causing. For these reasons, this variant has been classified as Pathogenic.

NM_012479.4(YWHAG):c.518T>G (p.Leu173Ter)

Gene: YWHAG (tyrosine 3-monooxygenase/tryptophan 5-monooxygenase activation protein gamma; minus strand). Cytogenetic location: 7q11.23.
Variant type: single nucleotide variant.
Coding change: c.518T>G on transcript NM_012479.4 (MANE Select); coding-DNA position 518, T replaced by G.
Protein change: p.Leu173Ter; replaces leucine 173 with a stop codon.
Molecular consequence: nonsense.
Genome position (GRCh38, 1-based): chr7:76,329,803, A>C on the plus strand (T>G on the coding strand, the complement: YWHAG is on the minus strand). VCF-style: chr7-76329803-A-C. GRCh37 (hg19) VCF-style: chr7-75959120-A-C.
Other names: short protein forms L173*.
Identifiers: ClinVar variation 2013349 (VCV002013349.4), dbSNP rs2536180828, ClinGen allele CA367776820.